The following is an entry in ClinVar:

ClinVar aggregate classification (germline): Uncertain significance. Review status: criteria provided, multiple submitters, no conflicts (2 of 4 stars). 2 submissions from 2 submitters: Uncertain significance (2). Last evaluated 2026-08-10.

Conditions:
Cardiomyopathy (CMYO). Also called: Cardiomyopathies. Identifiers: Orphanet 167848, MedGen C0878544, MONDO:0004994, HP:0001638. Inheritance: Various modes of inheritance.
Cardiovascular phenotype. Identifiers: MedGen CN230736.

Allele frequency attached by ClinVar (database versions not stated): gnomAD exomes below 0.00001.
gnomAD v4.1: 2 of 1,614,050 alleles (0.00012%); highest among the groups gnomAD compares: Non-Finnish European, 0.000085%; no homozygotes.

Submissions (2):

Ambry Genetics
Classification: Uncertain significance for Cardiovascular phenotype. Last evaluated: 2026-08-10. Review status: criteria provided, single submitter. Criteria: Ambry Variant Classification Scheme 2023. Collection method: clinical testing. Allele origin: germline.
Comment: The p.T1716I variant (also known as c.5147C>T), located in coding exon 37 of the RYR2 gene, results from a C to T substitution at nucleotide position 5147. The threonine at codon 1716 is replaced by isoleucine, an amino acid with similar properties. This amino acid position is conserved. In addition, the in silico prediction for this alteration is inconclusive. Based on the available evidence, the clinical significance of this variant remains unclear.

Color Diagnostics, LLC DBA Color Health
Classification: Uncertain significance for Cardiomyopathy. Last evaluated: 2024-03-06. Review status: criteria provided, single submitter. Criteria: ACMG Guidelines, 2015. Collection method: clinical testing. Allele origin: germline.
Comment: This missense variant replaces threonine with isoleucine at codon 1716 of the RYR2 protein. Computational prediction suggests that this variant may not impact protein structure and function (internally defined REVEL score threshold <= 0.5, PMID: 27666373). To our knowledge, functional studies have not been reported for this variant. This variant has not been reported in individuals affected with RYR2-related disorders in the literature. This variant has not been identified in the general population by the Genome Aggregation Database (gnomAD). The available evidence is insufficient to determine the role of this variant in disease conclusively. Therefore, this variant is classified as a Variant of Uncertain Significance.

NM_001035.3(RYR2):c.5147C>T (p.Thr1716Ile)

Gene: RYR2 (ryanodine receptor 2; plus strand). Cytogenetic location: 1q43.
Variant type: single nucleotide variant.
Coding change: c.5147C>T on transcript NM_001035.3 (MANE Select); coding-DNA position 5147, C replaced by T.
Protein change: p.Thr1716Ile; replaces threonine 1716 with isoleucine.
Molecular consequence: missense variant.
Genome position (GRCh38, 1-based): chr1:237,614,275, C>T. VCF-style: chr1-237614275-C-T. GRCh37 (hg19) VCF-style: chr1-237777575-C-T.
Other names: c.5147C>T (NM_001035.2); short protein forms T1716I.
Identifiers: ClinVar variation 2774307 (VCV002774307.3), dbSNP rs2546792151, ClinGen allele CA345404120.
Genomic context (GRCh38, chr1:237,614,275, plus strand): 5'-GTTTGCTGCGTGCTGGCTACTATGACCTGCTGATTGACATCCACCTGAGCTCCTATGCCA[C>T]TGCCAGGCTCATGATGAACAACGAGTACATTGTCCCCATGACGGAGGAGACGAAGAGCAT-3'
Protein context (NP_001026.2, residues 1706-1726): LIDIHLSSYA[Thr1716Ile]ARLMMNNEYI